The following is an entry in ClinVar:

ClinVar aggregate classification (germline): Likely benign (1 of 4 stars; one submission).

Conditions:
Familial hypercholesterolemia. Also called: Familial hypercholesterolaemia. Identifiers: MedGen C0020445, MONDO:0005439.

Submission:

GENinCode PLC
Classification: Likely benign for Familial hypercholesterolemia. Last evaluated: 2023-10-20. Review status: criteria provided, single submitter. Criteria: ACMG Guidelines, 2015. Collection method: clinical testing. Allele origin: germline.
Comment: This is a synonymous (silent) variant that is not predicted by SpliceAI to impact splicing. In addition, it occurs at a nucleotide that is not conserved. Therefore this variant has been classified as Likely Benign (BP4, BP7).

NM_174936.4(PCSK9):c.1599C>T (p.Asn533=)

Gene: PCSK9 (proprotein convertase subtilisin/kexin type 9; plus strand). Cytogenetic location: 1p32.3.
Variant type: single nucleotide variant.
Coding change: c.1599C>T on transcript NM_174936.4 (MANE Select); coding-DNA position 1599, C replaced by T.
Protein change: p.Asn533=; no amino-acid change (asparagine 533 retained).
Molecular consequence: synonymous variant. On other transcripts: non-coding transcript variant (7), intron variant (1).
Genome position (GRCh38, 1-based): chr1:55,059,581, C>T. VCF-style: chr1-55059581-C-T. GRCh37 (hg19) VCF-style: chr1-55525254-C-T.
Other names: c.1722C>T, p.Asn574= (NM_001407240.1); c.1641C>T, p.Asn547= (NM_001407241.1); c.1602C>T, p.Asn534= (NM_001407242.1); c.1542C>T, p.Asn514= (NM_001407243.1); c.1425C>T, p.Asn475= (NM_001407244.1); c.1407C>T, p.Asn469= (NM_001407245.1); c.1224C>T, p.Asn408= (NM_001407246.1); c.1181-1794C>T (NM_001407247.1).
Identifiers: ClinVar variation 3392981 (VCV003392981.1).